The following is an entry in ClinVar:

ClinVar aggregate classification (germline): Uncertain significance (1 of 4 stars; one submission).

Conditions:
Charcot-Marie-Tooth disease recessive intermediate C. Also called: CHARCOT-MARIE-TOOTH NEUROPATHY, RECESSIVE INTERMEDIATE C. Identifiers: Orphanet 369867, MedGen C3809309, MONDO:0014154, OMIM 615376.
Neuronopathy, distal hereditary motor, autosomal recessive 4. Also called: Autosomal recessive lower motor neuron disease with childhood onset; NEUROPATHY, DISTAL HEREDITARY MOTOR, AUTOSOMAL RECESSIVE 4. Identifiers: Orphanet 206580, MedGen C1970211, MONDO:0012608, OMIM 611067.

Allele frequency attached by ClinVar (database versions not stated): ExAC 0.00001.
gnomAD v4.1: 7 of 1,613,454 alleles (0.00043%); highest among the groups gnomAD compares: Non-Finnish European, 0.00059%; no homozygotes.

Submission:

Labcorp Genetics (formerly Invitae), Labcorp
Classification: Uncertain significance for Neuronopathy, distal hereditary motor, autosomal recessive 4; Charcot-Marie-Tooth disease recessive intermediate C. Last evaluated: 2022-08-15. Review status: criteria provided, single submitter. Criteria: Invitae Variant Classification Sherloc (09022015). Collection method: clinical testing. Allele origin: germline.
Comment: This sequence change replaces proline, which is neutral and non-polar, with threonine, which is neutral and polar, at codon 745 of the PLEKHG5 protein (p.Pro745Thr). The frequency data for this variant in the population databases is considered unreliable, as metrics indicate poor data quality at this position in the gnomAD database. This variant has not been reported in the literature in individuals affected with PLEKHG5-related conditions. ClinVar contains an entry for this variant (Variation ID: 468905). Algorithms developed to predict the effect of missense changes on protein structure and function (SIFT, PolyPhen-2, Align-GVGD) all suggest that this variant is likely to be tolerated. In summary, the available evidence is currently insufficient to determine the role of this variant in disease. Therefore, it has been classified as a Variant of Uncertain Significance.

NM_020631.6(PLEKHG5):c.2233C>A (p.Pro745Thr)

Gene: PLEKHG5 (pleckstrin homology and RhoGEF domain containing G5; minus strand). Cytogenetic location: 1p36.31.
Variant type: single nucleotide variant.
Coding change: c.2233C>A on transcript NM_020631.6 (MANE Select); coding-DNA position 2233, C replaced by A.
Protein change: p.Pro745Thr; replaces proline 745 with threonine.
Molecular consequence: missense variant.
Genome position (GRCh38, 1-based): chr1:6,469,058, G>T on the plus strand (C>A on the coding strand, the complement: PLEKHG5 is on the minus strand). VCF-style: chr1-6469058-G-T. GRCh37 (hg19) VCF-style: chr1-6529118-G-T.
Other names: c.2344C>A, p.Pro782Thr (NM_001042663.3, NM_001265592.2); c.2233C>A, p.Pro745Thr (NM_001042664.2, NM_001042665.2, NM_001265594.3 and 1 more transcripts); c.2440C>A, p.Pro814Thr (NM_001265593.2); short protein forms P745T, P814T, P782T.
Identifiers: ClinVar variation 468905 (VCV000468905.10), dbSNP rs756501907, ClinGen allele CA561214.